The following is an entry in ClinVar:

ClinVar aggregate classification (germline): Uncertain significance (1 of 4 stars; one submission).

Conditions:
Autosomal dominant nocturnal frontal lobe epilepsy 5. Also called: CILIARY DYSKINESIA, PRIMARY, 28, WITH SITUS INVERSUS; KCNT1-Related Epilepsy; CILIARY DYSKINESIA, PRIMARY, 28, WITHOUT SITUS INVERSUS; Epilepsy, nocturnal frontal lobe, 5. Identifiers: Orphanet 98784, MedGen C3554306, MONDO:0014002, OMIM 615005.
Developmental and epileptic encephalopathy, 14 (DEE14). Also called: Early infantile epileptic encephalopathy 14. Identifiers: Orphanet 293181, MedGen C3554195, MONDO:0013989, OMIM 614959.

gnomAD v4.1: 1 of 1,550,156 alleles (0.000065%); highest among the groups gnomAD compares: Non-Finnish European, 0.000087%; no homozygotes.

Submission:

Labcorp Genetics (formerly Invitae), Labcorp
Classification: Uncertain significance for Autosomal dominant nocturnal frontal lobe epilepsy 5; Developmental and epileptic encephalopathy, 14. Last evaluated: 2022-08-22. Review status: criteria provided, single submitter. Criteria: Invitae Variant Classification Sherloc (09022015). Collection method: clinical testing. Allele origin: germline.
Comment: In summary, the available evidence is currently insufficient to determine the role of this variant in disease. Therefore, it has been classified as a Variant of Uncertain Significance. Advanced modeling of protein sequence and biophysical properties (such as structural, functional, and spatial information, amino acid conservation, physicochemical variation, residue mobility, and thermodynamic stability) performed at Invitae indicates that this missense variant is not expected to disrupt KCNT1 protein function. ClinVar contains an entry for this variant (Variation ID: 1398269). This variant has not been reported in the literature in individuals affected with KCNT1-related conditions. This variant is not present in population databases (gnomAD no frequency). This sequence change replaces threonine, which is neutral and polar, with lysine, which is basic and polar, at codon 465 of the KCNT1 protein (p.Thr465Lys).

NM_020822.3(KCNT1):c.1394C>A (p.Thr465Lys)

Gene: KCNT1 (potassium sodium-activated channel subfamily T member 1; plus strand). Cytogenetic location: 9q34.3.
Variant type: single nucleotide variant.
Coding change: c.1394C>A on transcript NM_020822.3 (MANE Select); coding-DNA position 1394, C replaced by A.
Protein change: p.Thr465Lys; replaces threonine 465 with lysine.
Molecular consequence: missense variant.
Genome position (GRCh38, 1-based): chr9:135,768,666, C>A. VCF-style: chr9-135768666-C-A. GRCh37 (hg19) VCF-style: chr9-138660512-C-A.
Other names: c.1259C>A, p.Thr420Lys (NM_001272003.2); short protein forms T465K, T420K.
Identifiers: ClinVar variation 1398269 (VCV001398269.8), dbSNP rs539139475, ClinGen allele CA375504876.